The following is an entry in ClinVar:

NM_019597.5(HNRNPH2):c.595C>G (p.Arg199Gly)

Genes: HNRNPH2 (heterogeneous nuclear ribonucleoprotein H2; plus strand), RPL36A-HNRNPH2 (RPL36A-HNRNPH2 readthrough; plus strand). Cytogenetic location: Xq22.1.
Variant type: single nucleotide variant.
Coding change: c.595C>G on transcript NM_019597.5 (MANE Select); coding-DNA position 595, C replaced by G.
Protein change: p.Arg199Gly; replaces arginine 199 with glycine.
Molecular consequence: missense variant. On other transcripts: 3 prime UTR variant (2).
Genome position (GRCh38, 1-based): chrX:101,412,583, C>G. VCF-style: chrX-101412583-C-G. GRCh37 (hg19) VCF-style: chrX-100667571-C-G.
Other names: c.*591C>G (NM_001199973.2, NM_001199974.2); c.595C>G, p.Arg199Gly (NM_001032393.3); short protein forms R199G.
Identifiers: ClinVar variation 4077275 (VCV004077275.1).

ClinVar aggregate classification (germline): Uncertain significance (1 of 4 stars; one submission).

Submission:

GeneDx
Classification: Uncertain significance. Last evaluated: 2025-02-22. Review status: criteria provided, single submitter. Criteria: GeneDx Variant Classification Process June 2021. Collection method: clinical testing. Allele origin: germline. Affected: yes.
Comment: Not observed at significant frequency in large population cohorts (gnomAD); In silico analysis supports that this missense variant has a deleterious effect on protein structure/function; Has not been previously published as pathogenic or benign to our knowledge